The following is an entry in ClinVar:

ClinVar aggregate classification (germline): Uncertain significance (1 of 4 stars; one submission).

gnomAD v4.1: 2 of 1,426,658 alleles (0.00014%); highest among the groups gnomAD compares: Admixed American, 0.0027%; no homozygotes.

Submission:

Labcorp Genetics (formerly Invitae), Labcorp
Classification: Uncertain significance. Last evaluated: 2025-08-25. Review status: criteria provided, single submitter. Criteria: Invitae Variant Classification Sherloc (09022015). Collection method: clinical testing. Allele origin: germline.
Comment: This sequence change replaces alanine, which is neutral and non-polar, with valine, which is neutral and non-polar, at codon 888 of the AP3D1 protein (p.Ala888Val). This variant is not present in population databases (gnomAD no frequency). This variant has not been reported in the literature in individuals affected with AP3D1-related conditions. ClinVar contains an entry for this variant (Variation ID: 3626208). An algorithm developed to predict the effect of missense changes on protein structure and function outputs the following: PolyPhen-2: "Benign". The valine amino acid residue is found in multiple mammalian species, which suggests that this missense change does not adversely affect protein function. In summary, the available evidence is currently insufficient to determine the role of this variant in disease. Therefore, it has been classified as a Variant of Uncertain Significance.

NM_001261826.3(AP3D1):c.2663C>T (p.Ala888Val)

Gene: AP3D1 (adaptor related protein complex 3 subunit delta 1; minus strand). Cytogenetic location: 19p13.3.
Variant type: single nucleotide variant.
Coding change: c.2663C>T on transcript NM_001261826.3 (MANE Select); coding-DNA position 2663, C replaced by T.
Protein change: p.Ala888Val; replaces alanine 888 with valine.
Molecular consequence: missense variant. On other transcripts: intron variant (1).
Genome position (GRCh38, 1-based): chr19:2,113,352, G>A on the plus strand (C>T on the coding strand, the complement: AP3D1 is on the minus strand). VCF-style: chr19-2113352-G-A. GRCh37 (hg19) VCF-style: chr19-2113351-G-A.
Other names: c.2663C>T, p.Ala888Val (NM_001374799.1); c.2601+773C>T (NM_003938.8); short protein forms A888V.
Identifiers: ClinVar variation 3626208 (VCV003626208.2).